The following is an entry in ClinVar:

NM_015459.5(ATL3):c.1222G>A (p.Asp408Asn)

Genes: ATL3 (atlastin GTPase 3; minus strand), LNCROPM (lncRNA regulator of PLAAT3 mediated phospholipid metabolism; plus strand), LOC126861231 (CDK7 strongly-dependent group 2 enhancer GRCh37_chr11:63398741-63399940; plus strand). Cytogenetic location: 11q13.1.
Variant type: single nucleotide variant.
Coding change: c.1222G>A on transcript NM_015459.5 (MANE Select); coding-DNA position 1222, G replaced by A.
Protein change: p.Asp408Asn; replaces aspartic acid 408 with asparagine.
Molecular consequence: missense variant.
Genome position (GRCh38, 1-based): chr11:63,631,357, C>T on the plus strand (G>A on the coding strand, the complement: ATL3 is on the minus strand). VCF-style: chr11-63631357-C-T. GRCh37 (hg19) VCF-style: chr11-63398829-C-T.
Other names: c.1168G>A, p.Asp390Asn (NM_001290048.2); short protein forms D390N, D408N.
Identifiers: ClinVar variation 1026491 (VCV001026491.9), dbSNP rs1939311829, ClinGen allele CA381025422.

ClinVar aggregate classification (germline): Uncertain significance (1 of 4 stars; one submission).

Conditions:
Neuropathy, hereditary sensory, type 1F. Also called: Hereditary sensory neuropathy type IF; HSN IF. Identifiers: Orphanet 36386, MedGen C3810194, MONDO:0014286, OMIM 615632.

Submission:

Labcorp Genetics (formerly Invitae), Labcorp
Classification: Uncertain significance for Neuropathy, hereditary sensory, type 1F. Last evaluated: 2023-04-09. Review status: criteria provided, single submitter. Criteria: Invitae Variant Classification Sherloc (09022015). Collection method: clinical testing. Allele origin: germline.
Comment: In summary, the available evidence is currently insufficient to determine the role of this variant in disease. Therefore, it has been classified as a Variant of Uncertain Significance. Advanced modeling of protein sequence and biophysical properties (such as structural, functional, and spatial information, amino acid conservation, physicochemical variation, residue mobility, and thermodynamic stability) performed at Invitae indicates that this missense variant is not expected to disrupt ATL3 protein function. ClinVar contains an entry for this variant (Variation ID: 1026491). This variant has not been reported in the literature in individuals affected with ATL3-related conditions. This variant is not present in population databases (gnomAD no frequency). This sequence change replaces aspartic acid, which is acidic and polar, with asparagine, which is neutral and polar, at codon 408 of the ATL3 protein (p.Asp408Asn).